The following is an entry in ClinVar:

ClinVar aggregate classification (germline): Uncertain significance (1 of 4 stars; one submission).

Conditions:
Thrombophilia due to protein C deficiency, autosomal dominant. Also called: PROC DEFICIENCY, AUTOSOMAL DOMINANT; PROTEIN C DEFICIENCY, AUTOSOMAL DOMINANT. Identifiers: Orphanet 745, MedGen C2674321, MONDO:0008316, OMIM 176860. Disease mechanism: loss of function.

Submission:

Labcorp Genetics (formerly Invitae), Labcorp
Classification: Uncertain significance for Thrombophilia due to protein C deficiency, autosomal dominant. Last evaluated: 2026-01-22. Review status: criteria provided, single submitter. Criteria: Invitae Variant Classification Sherloc (09022015). Collection method: clinical testing. Allele origin: germline.
Comment: This sequence change replaces leucine, which is neutral and non-polar, with glutamine, which is neutral and polar, at codon 55 of the PROC protein (p.Leu55Gln). This variant is not present in population databases (gnomAD no frequency). This variant has not been reported in the literature in individuals affected with PROC-related conditions. An algorithm developed to predict the effect of missense changes on protein structure and function (PolyPhen-2) suggests that this variant is likely to be disruptive. In summary, the available evidence is currently insufficient to determine the role of this variant in disease. Therefore, it has been classified as a Variant of Uncertain Significance.

NM_000312.4(PROC):c.164T>A (p.Leu55Gln)

Gene: PROC (protein C, inactivator of coagulation factors Va and VIIIa; plus strand). Cytogenetic location: 2q14.3.
Variant type: single nucleotide variant.
Coding change: c.164T>A on transcript NM_000312.4 (MANE Select); coding-DNA position 164, T replaced by A.
Protein change: p.Leu55Gln; replaces leucine 55 with glutamine.
Molecular consequence: missense variant.
Genome position (GRCh38, 1-based): chr2:127,421,376, T>A. VCF-style: chr2-127421376-T-A. GRCh37 (hg19) VCF-style: chr2-128178952-T-A.
Other names: c.347T>A, p.Leu116Gln (NM_001375602.1); c.227T>A, p.Leu76Gln (NM_001375603.1, NM_001375604.1, NM_001375606.1); c.164T>A, p.Leu55Gln (NM_001375605.1, NM_001375608.1, NM_001375611.1 and 1 more transcripts); c.248T>A, p.Leu83Gln (NM_001375607.1); c.140T>A, p.Leu47Gln (NM_001375609.1); c.158T>A, p.Leu53Gln (NM_001375610.1); short protein forms L116Q, L53Q, L55Q, L76Q, L83Q, L47Q.
Identifiers: ClinVar variation 4735989 (VCV004735989.1).